The following is an entry in ClinVar:

NM_018075.5(ANO10):c.799A>G (p.Asn267Asp)

Gene: ANO10 (anoctamin 10; minus strand). Cytogenetic location: 3p22.1.
Variant type: single nucleotide variant.
Coding change: c.799A>G on transcript NM_018075.5 (MANE Select); coding-DNA position 799, A replaced by G.
Protein change: p.Asn267Asp; replaces asparagine 267 with aspartic acid.
Molecular consequence: missense variant. On other transcripts: intron variant (1).
Genome position (GRCh38, 1-based): chr3:43,577,055, T>C on the plus strand (A>G on the coding strand, the complement: ANO10 is on the minus strand). VCF-style: chr3-43577055-T-C. GRCh37 (hg19) VCF-style: chr3-43618547-T-C.
Other names: c.799A>G, p.Asn267Asp (NM_001204831.3, NM_001346463.2, NM_001346464.2 and 3 more transcripts); c.601A>G, p.Asn201Asp (NM_001204832.3, NM_001346466.2, NM_001346469.2); c.466A>G, p.Asn156Asp (NM_001204833.3); c.593-2191A>G (NM_001204834.3); short protein forms N201D, N156D, N267D.
Identifiers: ClinVar variation 724877 (VCV000724877.11), dbSNP rs143322256, ClinGen allele CA2340944.

ClinVar aggregate classification (germline): Conflicting classifications of pathogenicity. Review status: criteria provided, conflicting classifications (1 of 4 stars). 3 submissions from 3 submitters: Uncertain significance (2); Likely benign (1). Last evaluated 2026-01-28.

Conditions:
Autosomal recessive spinocerebellar ataxia 10. Identifiers: Orphanet 284289, MedGen C3150998, MONDO:0013392, OMIM 613728.

Allele frequency attached by ClinVar (database versions not stated): gnomAD 0.00009 and 0.00019; TOPMed 0.00011; gnomAD exomes 0.00030 and 0.00038; ExAC 0.00036; 1000 Genomes Project 30x 0.00062; 1000 Genomes Project 0.00080.
gnomAD v4.1: 565 of 1,614,208 alleles (0.035%); highest among the groups gnomAD compares: East Asian, 1.2%; 9 homozygotes.

Submissions (3):

Labcorp Genetics (formerly Invitae), Labcorp
Classification: Likely benign. Last evaluated: 2026-01-28. Review status: criteria provided, single submitter. Criteria: Invitae Variant Classification Sherloc (09022015). Collection method: clinical testing. Allele origin: germline.

Baylor Genetics
Classification: Uncertain significance for Autosomal recessive spinocerebellar ataxia 10. Last evaluated: 2018-04-17. Review status: criteria provided, single submitter. Criteria: ACMG Guidelines, 2015. Collection method: clinical testing. Allele origin: unknown. Affected: yes.
Comment: This variant was determined to be of uncertain significance according to ACMG Guidelines, 2015 [PMID:25741868].

Illumina Laboratory Services, Illumina
Classification: Uncertain significance for Autosomal recessive spinocerebellar ataxia 10. Last evaluated: 2018-01-13. Review status: criteria provided, single submitter. Criteria: ICSL Variant Classification Criteria 13 December 2019. Collection method: clinical testing. Allele origin: germline.